The following is an entry in ClinVar:

NM_016107.5(ZFR):c.748A>G (p.Ser250Gly)

Gene: ZFR (zinc finger RNA binding protein; minus strand). Cytogenetic location: 5p13.3.
Variant type: single nucleotide variant.
Coding change: c.748A>G on transcript NM_016107.5 (MANE Select); coding-DNA position 748, A replaced by G.
Protein change: p.Ser250Gly; replaces serine 250 with glycine.
Molecular consequence: missense variant. On other transcripts: non-coding transcript variant (1).
Genome position (GRCh38, 1-based): chr5:32,415,005, T>C on the plus strand (A>G on the coding strand, the complement: ZFR is on the minus strand). VCF-style: chr5-32415005-T-C. GRCh37 (hg19) VCF-style: chr5-32415110-T-C.
Other names: c.748A>G (NM_016107.3); short protein forms S250G.
Identifiers: ClinVar variation 2041167 (VCV002041167.5), dbSNP rs142034765, ClinGen allele CA3221993.

ClinVar aggregate classification (germline): Uncertain significance. Review status: criteria provided, multiple submitters, no conflicts (2 of 4 stars). 2 submissions from 2 submitters: Uncertain significance (2). Last evaluated 2024-11-29.

Conditions:
Pure or complex autosomal recessive spastic paraplegia. Identifiers: Orphanet 320346, MedGen C5679887, MONDO:0017915.

Allele frequency attached by ClinVar (database versions not stated): TOPMed 0.00005; gnomAD exomes 0.00004; ExAC 0.00004; ESP Exome Variant Server 0.00008; gnomAD 0.00003.
gnomAD v4.1: 65 of 1,613,898 alleles (0.004%); highest among the groups gnomAD compares: Non-Finnish European, 0.0055%; no homozygotes.

Submissions (2):

Ambry Genetics
Classification: Uncertain significance. Last evaluated: 2024-11-29. Review status: criteria provided, single submitter. Criteria: Ambry Variant Classification Scheme 2023. Collection method: clinical testing. Allele origin: germline.

Labcorp Genetics (formerly Invitae), Labcorp
Classification: Uncertain significance for Pure or complex autosomal recessive spastic paraplegia. Last evaluated: 2024-07-06. Review status: criteria provided, single submitter. Criteria: Invitae Variant Classification Sherloc (09022015). Collection method: clinical testing. Allele origin: germline.
Comment: This sequence change replaces serine, which is neutral and polar, with glycine, which is neutral and non-polar, at codon 250 of the ZFR protein (p.Ser250Gly). This variant is present in population databases (rs142034765, gnomAD 0.005%). This variant has not been reported in the literature in individuals affected with ZFR-related conditions. ClinVar contains an entry for this variant (Variation ID: 2041167). Experimental studies and prediction algorithms are not available or were not evaluated, and the functional significance of this variant is currently unknown. In summary, the available evidence is currently insufficient to determine the role of this variant in disease. Therefore, it has been classified as a Variant of Uncertain Significance.